The following is an entry in ClinVar:

ClinVar aggregate classification (germline): Uncertain significance. Review status: criteria provided, multiple submitters, no conflicts (2 of 4 stars). 2 submissions from 2 submitters: Uncertain significance (2). Last evaluated 2026-07-06.

Conditions:
Hereditary cancer-predisposing syndrome. Also called: Tumor predisposition; Hereditary neoplastic syndrome; Neoplastic Syndromes, Hereditary; Hereditary Cancer Syndrome. Identifiers: Orphanet 140162, MedGen C0027672, MeSH D009386, MONDO:0015356.
Retinoblastoma (RB1). Also called: RETINOBLASTOMA, SOMATIC. Identifiers: Orphanet 790, MedGen C0035335, MeSH D012175, MONDO:0008380, OMIM 180200, HP:0009919. Disease mechanism: loss of function. Inheritance: Both sporadic and heritable forms are tested..

Submissions (2):

Ambry Genetics
Classification: Uncertain significance for Hereditary cancer-predisposing syndrome. Last evaluated: 2026-07-06. Review status: criteria provided, single submitter. Criteria: Ambry Variant Classification Scheme 2023. Collection method: clinical testing. Allele origin: germline.
Comment: The p.N924K variant (also known as c.2772C>A), located in coding exon 27 of the RB1 gene, results from a C to A substitution at nucleotide position 2772. The asparagine at codon 924 is replaced by lysine, an amino acid with similar properties. This amino acid position is conserved. In addition, this alteration is predicted to be tolerated by in silico analysis. Based on the available evidence, the clinical significance of this variant remains unclear.

Labcorp Genetics (formerly Invitae), Labcorp
Classification: Uncertain significance for Retinoblastoma. Last evaluated: 2019-12-30. Review status: criteria provided, single submitter. Criteria: Invitae Variant Classification Sherloc (09022015). Collection method: clinical testing. Allele origin: germline.
Comment: This variant has not been reported in the literature in individuals with RB1-related conditions. In summary, the available evidence is currently insufficient to determine the role of this variant in disease. Therefore, it has been classified as a Variant of Uncertain Significance. Algorithms developed to predict the effect of missense changes on protein structure and function (SIFT, PolyPhen-2, Align-GVGD) all suggest that this variant is likely to be tolerated, but these predictions have not been confirmed by published functional studies and their clinical significance is uncertain. This variant is not present in population databases (ExAC no frequency). This sequence change replaces asparagine with lysine at codon 924 of the RB1 protein (p.Asn924Lys). The asparagine residue is moderately conserved and there is a moderate physicochemical difference between asparagine and lysine.

NM_000321.3(RB1):c.2772C>A (p.Asn924Lys)

Gene: RB1 (RB transcriptional corepressor 1; plus strand). Cytogenetic location: 13q14.2.
Variant type: single nucleotide variant.
Coding change: c.2772C>A on transcript NM_000321.3 (MANE Select); coding-DNA position 2772, C replaced by A.
Protein change: p.Asn924Lys; replaces asparagine 924 with lysine.
Molecular consequence: missense variant.
Genome position (GRCh38, 1-based): chr13:48,480,056, C>A. VCF-style: chr13-48480056-C-A. GRCh37 (hg19) VCF-style: chr13-49054192-C-A.
Other names: short protein forms N924K.
Identifiers: ClinVar variation 844767 (VCV000844767.10), dbSNP rs1949528716, ClinGen allele CA388158584.